The following is an entry in ClinVar:

NM_002769.5(PRSS1):c.350C>T (p.Ala117Val)

Genes: TRB (T cell receptor beta locus; plus strand), PRSS1 (serine protease 1; plus strand). Cytogenetic location: 7q34.
Variant type: single nucleotide variant.
Coding change: c.350C>T on transcript NM_002769.5 (MANE Select); coding-DNA position 350, C replaced by T.
Protein change: p.Ala117Val; replaces alanine 117 with valine.
Molecular consequence: missense variant.
Genome position (GRCh38, 1-based): chr7:142,751,923, C>T. VCF-style: chr7-142751923-C-T. GRCh37 (hg19) VCF-style: chr7-142459774-C-T.
Other names: short protein forms A117V.
Identifiers: ClinVar variation 1433401 (VCV001433401.9), dbSNP rs1798772289, ClinGen allele CA369608894.

ClinVar aggregate classification (germline): Uncertain significance. Review status: criteria provided, multiple submitters, no conflicts (2 of 4 stars). 2 submissions from 2 submitters: Uncertain significance (2). Last evaluated 2025-07-06.

Conditions:
Hereditary pancreatitis (PCTT). Also called: PRSS1-Related Hereditary Pancreatitis; Hereditary chronic pancreatitis. Identifiers: Orphanet 676, MedGen C0238339, MONDO:0008185, OMIM 167800.

Allele frequency attached by ClinVar (database versions not stated): gnomAD exomes below 0.00001.

Submissions (2):

Labcorp Genetics (formerly Invitae), Labcorp
Classification: Uncertain significance for Hereditary pancreatitis. Last evaluated: 2025-07-06. Review status: criteria provided, single submitter. Criteria: Invitae Variant Classification Sherloc (09022015). Collection method: clinical testing. Allele origin: germline.
Comment: This sequence change replaces alanine, which is neutral and non-polar, with valine, which is neutral and non-polar, at codon 117 of the PRSS1 protein (p.Ala117Val). This variant is not present in population databases (gnomAD no frequency). This variant has not been reported in the literature in individuals affected with PRSS1-related conditions. ClinVar contains an entry for this variant (Variation ID: 1433401). Invitae Evidence Modeling of protein sequence and biophysical properties (such as structural, functional, and spatial information, amino acid conservation, physicochemical variation, residue mobility, and thermodynamic stability) indicates that this missense variant is not expected to disrupt PRSS1 protein function with a negative predictive value of 80%. In summary, the available evidence is currently insufficient to determine the role of this variant in disease. Therefore, it has been classified as a Variant of Uncertain Significance.

Ambry Genetics
Classification: Uncertain significance for Hereditary pancreatitis. Last evaluated: 2024-04-12. Review status: criteria provided, single submitter. Criteria: Ambry Variant Classification Scheme 2023. Collection method: clinical testing. Allele origin: germline.
Comment: The p.A117V variant (also known as c.350C>T), located in coding exon 3 of the PRSS1 gene, results from a C to T substitution at nucleotide position 350. The alanine at codon 117 is replaced by valine, an amino acid with similar properties. This amino acid position is conserved. In addition, the in silico prediction for this alteration is inconclusive. Since supporting evidence is limited at this time, the clinical significance of this alteration remains unclear.